The following is an entry in ClinVar:

ClinVar aggregate classification (germline): Benign. Review status: criteria provided, multiple submitters, no conflicts (2 of 4 stars). 16 submissions from 13 submitters: Benign (13). 3 of the submissions do not count toward it. Last evaluated 2026-09-21.

Conditions:
Cardiac arrhythmia. Also called: Cardiac rhythm disease; Arrhythmia. Identifiers: MedGen C0003811, MONDO:0007263, HP:0011675.
Catecholaminergic polymorphic ventricular tachycardia 1. Also called: VENTRICULAR TACHYCARDIA, STRESS-INDUCED POLYMORPHIC 1; VENTRICULAR TACHYCARDIA, CATECHOLAMINERGIC POLYMORPHIC, 1, WITH OR WITHOUT ATRIAL DYSFUNCTION AND/OR DILATED CARDIOMYOPATHY; RYR2-Related Catecholaminergic Polymorphic Ventricular Tachycardia. Identifiers: Orphanet 3286, MedGen C1631597, MONDO:0011484, OMIM 604772.
Arrhythmogenic right ventricular dysplasia 2. Identifiers: MedGen C1832931.

Allele frequency attached by ClinVar (database versions not stated): ESP Exome Variant Server 0.64784; gnomAD 0.66578 and 0.67491; gnomAD exomes 0.69021 and 0.73228; ExAC 0.72731; TOPMed 0.67466; 1000 Genomes Project 30x 0.74219; 1000 Genomes Project 0.75080.
gnomAD v4.1: 1,103,150 of 1,601,696 alleles (69%); highest among the groups gnomAD compares: East Asian, 95%; 384,249 homozygotes.

Submissions (16):

Molecular Diagnostic Laboratory for Inherited Cardiovascular Disease, Montreal Heart Institute
Classification: Benign. Last evaluated: 2026-09-21. Review status: criteria provided, single submitter. Criteria: ACMG Guidelines, 2015. Collection method: clinical testing. Allele origin: germline. Affected: no.

Labcorp Genetics (formerly Invitae), Labcorp
Classification: Benign for Catecholaminergic polymorphic ventricular tachycardia 1. Last evaluated: 2026-02-04. Review status: criteria provided, single submitter. Criteria: Invitae Variant Classification Sherloc (09022015). Collection method: clinical testing. Allele origin: germline.

Blueprint Genetics
Classification: Benign. Last evaluated: 2024-11-26. Review status: criteria provided, single submitter. Criteria: ACMG Guidelines, 2015. Collection method: clinical testing. Allele origin: germline.

Genome-Nilou Lab
Classification: Benign for Catecholaminergic polymorphic ventricular tachycardia 1. Last evaluated: 2021-11-07. Review status: criteria provided, single submitter. Criteria: ACMG Guidelines, 2015. Collection method: clinical testing. Allele origin: germline. Affected: no.

Genome-Nilou Lab
Classification: Benign for Ventricular arrhythmias due to cardiac ryanodine receptor calcium release deficiency syndrome. Last evaluated: 2021-11-07. Review status: criteria provided, single submitter. Criteria: ACMG Guidelines, 2015. Collection method: clinical testing. Allele origin: germline. Affected: no.

Genome-Nilou Lab
Classification: Benign for Catecholaminergic polymorphic ventricular tachycardia 1. Last evaluated: 2021-11-07. Review status: criteria provided, single submitter. Criteria: ACMG Guidelines, 2015. Collection method: clinical testing. Allele origin: germline. Affected: no.

Illumina Laboratory Services, Illumina
Classification: Benign for Catecholaminergic polymorphic ventricular tachycardia 1. Last evaluated: 2018-01-13. Review status: criteria provided, single submitter. Criteria: ICSL Variant Classification Criteria 13 December 2019. Collection method: clinical testing. Allele origin: germline.
Comment: This variant was observed in the ICSL laboratory as part of a predisposition screen in an ostensibly healthy population. It had not been previously curated by ICSL or reported in the Human Gene Mutation Database (HGMD: prior to June 1st, 2018), and was therefore a candidate for classification through an automated scoring system. Utilizing variant allele frequency, disease prevalence and penetrance estimates, and inheritance mode, an automated score was calculated to assess if this variant is too frequent to cause the disease. Based on the score and internal cut-off values, a variant classified as benign is not then subjected to further curation. The score for this variant resulted in a classification of benign for this disease.

Illumina Laboratory Services, Illumina
Classification: Benign for Catecholaminergic polymorphic ventricular tachycardia 1. Last evaluated: 2018-01-13. Review status: criteria provided, single submitter. Criteria: ICSL Variant Classification Criteria 13 December 2019. Collection method: clinical testing. Allele origin: germline.
Comment: the same text as in the submission from Illumina Laboratory Services, Illumina above.

GeneDx
Classification: Benign. Last evaluated: 2015-03-03. Review status: criteria provided, single submitter. Criteria: GeneDx Variant Classification Process June 2021. Collection method: clinical testing. Allele origin: germline. Affected: yes.

Eurofins Ntd Llc (ga)
Classification: Benign. Last evaluated: 2014-09-15. Review status: criteria provided, single submitter. Criteria: EGL Classification Definitions 2015. Collection method: clinical testing. Allele origin: germline. Observed: 2 variant alleles, 1 heterozygote, 1 homozygote.

Laboratory for Molecular Medicine, Mass General Brigham Personalized Medicine
Classification: Benign. Last evaluated: 2011-09-16. Review status: criteria provided, single submitter. Criteria: LMM Criteria. Collection method: clinical testing. Allele origin: germline. Observed: 1,602 variant alleles.

Breakthrough Genomics
Classification: Benign. Review status: criteria provided, single submitter. Criteria: ACMG Guidelines, 2015. Collection method: not provided. Allele origin: germline. Inheritance: Autosomal dominant inheritance. Affected: yes.

PreventionGenetics, part of Exact Sciences
Classification: Benign. Review status: criteria provided, single submitter. Criteria: ACMG Guidelines, 2015. Collection method: clinical testing. Allele origin: germline.

Clinical Genetics, Academic Medical Center
Classification: Benign. Review status: no assertion criteria provided. Collection method: clinical testing. Allele origin: germline. Affected: yes. Study: VKGL Data-share Consensus. Not counted in ClinVar's aggregate classification.

Diagnostic Laboratory, Department of Genetics, University Medical Center Groningen
Classification: Benign. Review status: no assertion criteria provided. Collection method: clinical testing. Allele origin: germline. Affected: yes. Study: VKGL Data-share Consensus. Not counted in ClinVar's aggregate classification.

Joint Genome Diagnostic Labs from Nijmegen and Maastricht, Radboudumc and MUMC+
Classification: Benign. Review status: no assertion criteria provided. Collection method: clinical testing. Allele origin: germline. Affected: yes. Study: VKGL Data-share Consensus. Not counted in ClinVar's aggregate classification.

NM_001035.3(RYR2):c.13913+12A>C

Gene: RYR2 (ryanodine receptor 2; plus strand). Cytogenetic location: 1q43.
Variant type: single nucleotide variant.
Coding change: c.13913+12A>C on transcript NM_001035.3 (MANE Select); 12 bases into the intron after coding-DNA position 13913, A replaced by C.
Molecular consequence: intron variant.
Genome position (GRCh38, 1-based): chr1:237,794,009, A>C. VCF-style: chr1-237794009-A-C. GRCh37 (hg19) VCF-style: chr1-237957309-A-C.
Identifiers: ClinVar variation 43732 (VCV000043732.36), dbSNP rs790900, ClinGen allele CA008079.